The following is an entry in ClinVar:

ClinVar aggregate classification (germline): Likely pathogenic (1 of 4 stars; one submission).

Conditions:
Neurodevelopmental disorder with cerebellar atrophy and with or without seizures. Identifiers: MedGen C4748032, MONDO:0020841, OMIM 618056.

Allele frequency attached by ClinVar (database versions not stated): gnomAD exomes 0.00001.
gnomAD v4.1: 16 of 1,589,618 alleles (0.001%); highest among the groups gnomAD compares: Admixed American, 0.0017%; no homozygotes.

Submission:

Victorian Clinical Genetics Services, Murdoch Childrens Research Institute
Classification: Likely pathogenic for Neurodevelopmental disorder with cerebellar atrophy and with or without seizures. Last evaluated: 2022-03-31. Review status: criteria provided, single submitter. Criteria: ACMG Guidelines, 2015. Collection method: clinical testing. Allele origin: germline. Inheritance: Autosomal recessive inheritance. Affected: yes.
Comment: Based on the classification scheme VCGS_Germline_v1.3.4, this variant is classified as Likely pathogenic. Following criteria are met: 0102 - Loss of function is a known mechanism of disease in this gene and is associated with neurodevelopmental disorder with cerebellar atrophy and with or without seizures (MIM#618056) and lethal neonatal rigidity and multifocal seizure syndrome (MIM#614498). (I) 0106 - This gene is associated with autosomal recessive disease. (I) 0200 - Variant is predicted to result in a missense amino acid change from glutamine to proline. (I) 0251 - This variant is heterozygous. (I) 0304 - Variant is present in gnomAD (v2) <0.01 for a recessive condition (1 heterozygote, 0 homozygotes). (SP) 0502 - Missense variant with conflicting in silico predictions and high conservation. (I) 0604 - Variant is not located in an established domain, motif, hotspot or informative constraint region. (I) 0705 - No comparable missense variants have previous evidence for pathogenicity. (I) 0803 - This variant has limited previous evidence of pathogenicity in an unrelated individual. It has been reported in a conference poster abstract as compound heterozygous with the c.294dupA variant in an individual with epileptic encephalopathy (Putoux, A. et al. (2017) 12th European Paediatric Neurology Society Congress). (SP) 0905 - No published segregation evidence has been identified for this variant. (I) 1007 - No published functional evidence has been identified for this variant. (I) 1102 - Strong phenotype match for this individual. (SP) 1201 - Heterozygous variant detected in trans with a second pathogenic heterozygous variant (NM_152743.3(BRAT1):c.294dupA; p.(Leu99Thrfs*92)) in a recessive disease. (I) Legend: (SP) - Supporting pathogenic, (I) - Information, (SB) - Supporting benign

NM_152743.4(BRAT1):c.458A>C (p.Gln153Pro)

Gene: BRAT1 (BRCA1 associated ATM activator 1; minus strand). Cytogenetic location: 7p22.3.
Variant type: single nucleotide variant.
Coding change: c.458A>C on transcript NM_152743.4 (MANE Select); coding-DNA position 458, A replaced by C.
Protein change: p.Gln153Pro; replaces glutamine 153 with proline.
Molecular consequence: missense variant. On other transcripts: 5 prime UTR variant (1), non-coding transcript variant (1).
Genome position (GRCh38, 1-based): chr7:2,543,935, T>G on the plus strand (A>C on the coding strand, the complement: BRAT1 is on the minus strand). VCF-style: chr7-2543935-T-G. GRCh37 (hg19) VCF-style: chr7-2583569-T-G.
Other names: c.458A>C, p.Gln153Pro (NM_001350626.2); c.-68A>C (NM_001350627.2); short protein forms Q153P.
Identifiers: ClinVar variation 1805471 (VCV001805471.1), dbSNP rs1388240091, ClinGen allele CA366632443.